The following is an entry in ClinVar:

ClinVar aggregate classification (germline): Uncertain significance (1 of 4 stars; one submission).

Allele frequency attached by ClinVar (database versions not stated): gnomAD exomes below 0.00001.

Submission:

Ambry Genetics
Classification: Uncertain significance. Last evaluated: 2024-02-23. Review status: criteria provided, single submitter. Criteria: Ambry Variant Classification Scheme 2023. Collection method: clinical testing. Allele origin: germline.
Comment: The p.S226R variant (also known as c.678C>A), located in coding exon 6 of the NQO1 gene, results from a C to A substitution at nucleotide position 678. The serine at codon 226 is replaced by arginine, an amino acid with dissimilar properties. This amino acid position is conserved. In addition, this alteration is predicted to be tolerated by in silico analysis. Based on the available evidence, the clinical significance of this alteration remains unclear.

NM_000903.3(NQO1):c.678C>A (p.Ser226Arg)

Gene: NQO1 (NAD(P)H quinone dehydrogenase 1; minus strand). Cytogenetic location: 16q22.1.
Variant type: single nucleotide variant.
Coding change: c.678C>A on transcript NM_000903.3 (MANE Select); coding-DNA position 678, C replaced by A.
Protein change: p.Ser226Arg; replaces serine 226 with arginine.
Molecular consequence: missense variant.
Genome position (GRCh38, 1-based): chr16:69,711,123, G>T on the plus strand (C>A on the coding strand, the complement: NQO1 is on the minus strand). VCF-style: chr16-69711123-G-T. GRCh37 (hg19) VCF-style: chr16-69745026-G-T.
Other names: c.576C>A, p.Ser192Arg (NM_001025433.2); c.564C>A, p.Ser188Arg (NM_001025434.2); c.462C>A, p.Ser154Arg (NM_001286137.2); short protein forms S154R, S188R, S192R, S226R.
Identifiers: ClinVar variation 3232320 (VCV003232320.1), dbSNP rs1389774708, ClinGen allele CA396487621.